The following is an entry in ClinVar:

NM_018052.5(VAC14):c.486+3A>G

Gene: VAC14 (VAC14 component of PIKFYVE complex; minus strand). Cytogenetic location: 16q22.1.
Variant type: single nucleotide variant.
Coding change: c.486+3A>G on transcript NM_018052.5 (MANE Select); 3 bases into the intron after coding-DNA position 486, A replaced by G.
Molecular consequence: intron variant.
Genome position (GRCh38, 1-based): chr16:70,784,773, T>C on the plus strand (A>G on the coding strand, the complement: VAC14 is on the minus strand). VCF-style: chr16-70784773-T-C. GRCh37 (hg19) VCF-style: chr16-70818676-T-C.
Other names: c.-217+3A>G (NM_001351157.2).
Identifiers: ClinVar variation 488760 (VCV000488760.2), dbSNP rs1555527284, ClinGen allele CA658683970.

ClinVar aggregate classification (germline): Likely pathogenic (1 of 4 stars; one submission).

Submission:

GeneDx
Classification: Likely pathogenic. Last evaluated: 2018-01-11. Review status: criteria provided, single submitter. Criteria: GeneDx Variant Classification (06012015). Collection method: clinical testing. Allele origin: germline. Affected: yes.
Comment: The c.486+3A>G variant in the VAC14 gene has not been reported previously as a pathogenic variant nor as a benign variant, to our knowledge. This variant is predicted to destroy the natural splice donor site in intron 4, and is expected to cause abnormal gene splicing. The c.486+3A>G variant is not observed in large population cohorts (Lek et al., 2016). We interpret c.486+3A>G as a likely pathogenic variant